The following is an entry in ClinVar:

ClinVar aggregate classification (germline): Uncertain significance (1 of 4 stars; one submission).

Allele frequency attached by ClinVar (database versions not stated): ExAC 0.00002.
gnomAD v4.1: 9 of 1,613,842 alleles (0.00056%); highest among the groups gnomAD compares: African/African-American, 0.004%; no homozygotes.

Submission:

Labcorp Genetics (formerly Invitae), Labcorp
Classification: Uncertain significance. Last evaluated: 2022-04-04. Review status: criteria provided, single submitter. Criteria: Invitae Variant Classification Sherloc (09022015). Collection method: clinical testing. Allele origin: germline.
Comment: This sequence change replaces glutamine, which is neutral and polar, with glutamic acid, which is acidic and polar, at codon 132 of the DGUOK protein (p.Gln132Glu). This variant is present in population databases (rs745436352, gnomAD 0.007%). This variant has not been reported in the literature in individuals affected with DGUOK-related conditions. Algorithms developed to predict the effect of missense changes on protein structure and function output the following: SIFT: "Tolerated"; PolyPhen-2: "Benign"; Align-GVGD: "Class C0". The glutamic acid amino acid residue is found in multiple mammalian species, which suggests that this missense change does not adversely affect protein function. In summary, the available evidence is currently insufficient to determine the role of this variant in disease. Therefore, it has been classified as a Variant of Uncertain Significance.

NM_080916.3(DGUOK):c.394C>G (p.Gln132Glu)

Gene: DGUOK (deoxyguanosine kinase; plus strand). Cytogenetic location: 2p13.1.
Variant type: single nucleotide variant.
Coding change: c.394C>G on transcript NM_080916.3 (MANE Select); coding-DNA position 394, C replaced by G.
Protein change: p.Gln132Glu; replaces glutamine 132 with glutamic acid.
Molecular consequence: missense variant. On other transcripts: non-coding transcript variant (5).
Genome position (GRCh38, 1-based): chr2:73,946,857, C>G. VCF-style: chr2-73946857-C-G. GRCh37 (hg19) VCF-style: chr2-74173984-C-G.
Other names: c.394C>G, p.Gln132Glu (NM_001318859.2, NM_080918.3); c.103C>G, p.Gln35Glu (NM_001318860.2, NM_001318861.2, NM_001318862.2 and 1 more transcripts); short protein forms Q132E, Q35E.
Identifiers: ClinVar variation 2076955 (VCV002076955.1), dbSNP rs745436352, ClinGen allele CA1718247.
Genomic context (GRCh38, chr2:73,946,857, plus strand): 5'-ACATTTTCCTTTTTGAGCCGCCTGAAAGTACAGCTGGAGCCCTTCCCTGAGAAACTCTTA[C>G]AGGCCAGGAAGCCAGTACAGATCTTTGAGAGGTCTGTGTACAGTGACAGGTAAAATGCCA-3'
Protein context (NP_550438.1, residues 122-142): QLEPFPEKLL[Gln132Glu]ARKPVQIFER